The following is an entry in ClinVar:

NM_003384.3(VRK1):c.469_470insCTGTCTCT (p.Leu157fs)

Gene: VRK1 (VRK serine/threonine kinase 1; plus strand). Cytogenetic location: 14q32.2.
Variant type: Insertion.
Coding change: c.469_470insCTGTCTCT on transcript NM_003384.3 (MANE Select); coding-DNA positions 469 to 470, CTGTCTCT inserted.
Protein change: p.Leu157fs; shifts the reading frame from leucine 157.
Molecular consequence: frameshift variant.
Genome position: GRCh38 VCF-style: chr14-96852925-C-CCTGTCTCT. GRCh37 (hg19) VCF-style: chr14-97319262-C-CCTGTCTCT.
Other names: c.469_470insCTGTCTCT, p.Leu157fs (NM_001411051.1, NM_001411053.1); short protein forms L157fs.
Identifiers: ClinVar variation 5011133 (VCV005011133.1).

ClinVar aggregate classification (germline): Pathogenic (1 of 4 stars; one submission).

Conditions:
Pontocerebellar hypoplasia type 1A (PCH1A). Also called: PONTOCEREBELLAR HYPOPLASIA WITH ANTERIOR HORN CELL DISEASE; PONTOCEREBELLAR HYPOPLASIA WITH INFANTILE SPINAL MUSCULAR ATROPHY. Identifiers: Orphanet 2254, Orphanet 88616, MedGen C1843504, MONDO:0011866, OMIM 607596.

Submission:

Myriad Genetics, Inc.
Classification: Pathogenic for Pontocerebellar hypoplasia type 1A. Last evaluated: 2024-05-14. Review status: criteria provided, single submitter. Criteria: Myriad Autosomal Dominant, Autosomal Recessive and X-Linked Classification Criteria (2023). Collection method: clinical testing. Allele origin: unknown.
Comment: NM_003384.2(VRK1):c.469_470ins8(L157Pfs*4) is expected to be pathogenic in the context of pontocerebellar hypoplasia, VRK1-related. This variant is predicted to lead to an abnormal or absent protein product due to the creation of a premature termination codon in VRK1, a gene where loss-of-function variants are known to be pathogenic. Please note: this variant was assessed in the context of healthy population screening.